The following is an entry in ClinVar:

ClinVar aggregate classification (germline): Uncertain significance (1 of 4 stars; one submission).

Conditions:
Tuberous sclerosis 2 (TSC2). Identifiers: Orphanet 805, MedGen C1860707, MONDO:0013199, OMIM 613254.

Submission:

Labcorp Genetics (formerly Invitae), Labcorp
Classification: Uncertain significance for Tuberous sclerosis 2. Last evaluated: 2023-07-19. Review status: criteria provided, single submitter. Criteria: Invitae Variant Classification Sherloc (09022015). Collection method: clinical testing. Allele origin: germline.
Comment: This sequence change replaces isoleucine, which is neutral and non-polar, with methionine, which is neutral and non-polar, at codon 153 of the TSC2 protein (p.Ile153Met). This variant is not present in population databases (gnomAD no frequency). This variant has not been reported in the literature in individuals affected with TSC2-related conditions. ClinVar contains an entry for this variant (Variation ID: 2132963). Advanced modeling of protein sequence and biophysical properties (such as structural, functional, and spatial information, amino acid conservation, physicochemical variation, residue mobility, and thermodynamic stability) performed at Invitae indicates that this missense variant is not expected to disrupt TSC2 protein function. In summary, the available evidence is currently insufficient to determine the role of this variant in disease. Therefore, it has been classified as a Variant of Uncertain Significance.

NM_000548.5(TSC2):c.459C>G (p.Ile153Met)

Gene: TSC2 (TSC complex subunit 2; plus strand). Cytogenetic location: 16p13.3.
Variant type: single nucleotide variant.
Coding change: c.459C>G on transcript NM_000548.5 (MANE Select); coding-DNA position 459, C replaced by G.
Protein change: p.Ile153Met; replaces isoleucine 153 with methionine.
Molecular consequence: missense variant. On other transcripts: nonsense (1), intron variant (1).
Genome position (GRCh38, 1-based): chr16:2,054,418, C>G. VCF-style: chr16-2054418-C-G. GRCh37 (hg19) VCF-style: chr16-2104419-C-G.
Other names: c.459C>G, p.Ile153Met (NM_001077183.3, NM_001114382.3, NM_001406673.1 and 8 more transcripts); c.348C>G, p.Ile116Met (NM_001318827.2, NM_001406678.1, NM_001406670.1); c.312C>G, p.Ile104Met (NM_001318829.2, NM_001406675.1, NM_001406676.1 and 1 more transcripts); c.492C>G, p.Ile164Met (NM_001318832.2); c.402C>G, p.Ile134Met (NM_001406677.1); c.-358C>G (NM_001406680.1, NM_001406683.1, NM_001406687.1); c.14C>G, p.Ser5Ter (NM_001406681.1); c.-973C>G (NM_001406689.1, NM_001406690.1, NM_001406691.1 and 2 more transcripts); and 6 more; short protein forms I153M, I164M, I183M, I134M, S5*, I104M, I116M.
Identifiers: ClinVar variation 2132963 (VCV002132963.4), dbSNP rs2151044207, ClinGen allele CA394308471.
Genomic context (GRCh38, chr16:2,054,418, plus strand): 5'-CGAAGACCTTCACGAAAGGCTGGAGGTTTTCAAGGCCCTCACAGACAATGGGAGACACAT[C>G]ACCTACTTGGAGGAAGAGCTGGGTGGGTGCCACCTTGGGTTGGAGGTTTCTCTGGCCTTG-3'
Protein context (NP_000539.2, residues 143-163): FKALTDNGRH[Ile153Met]TYLEEELADF